The following is an entry in ClinVar:

ClinVar aggregate classification (germline): Uncertain significance. Review status: criteria provided, multiple submitters, no conflicts (2 of 4 stars). 2 submissions from 2 submitters: Uncertain significance (2). Last evaluated 2024-08-05.

Conditions:
Charcot-Marie-Tooth disease type 2. Also called: Charcot-Marie-Tooth type 2. Identifiers: Orphanet 64746, MedGen C0270914, MONDO:0018993.

Allele frequency attached by ClinVar (database versions not stated): gnomAD exomes below 0.00001.
gnomAD v4.1: 1 of 1,614,164 alleles (0.000062%); highest among the groups gnomAD compares: Admixed American, 0.0017%; no homozygotes.

Submissions (2):

Ambry Genetics
Classification: Uncertain significance. Last evaluated: 2024-08-05. Review status: criteria provided, single submitter. Criteria: Ambry Variant Classification Scheme 2023. Collection method: clinical testing. Allele origin: germline.
Comment: The p.K1538T variant (also known as c.4613A>C), located in coding exon 40 of the KIF1B gene, results from an A to C substitution at nucleotide position 4613. The lysine at codon 1538 is replaced by threonine, an amino acid with similar properties. This amino acid position is conserved. In addition, the in silico prediction for this alteration is inconclusive. Based on the available evidence, the clinical significance of this variant remains unclear.

Labcorp Genetics (formerly Invitae), Labcorp
Classification: Uncertain significance for Charcot-Marie-Tooth disease type 2. Last evaluated: 2023-03-14. Review status: criteria provided, single submitter. Criteria: Invitae Variant Classification Sherloc (09022015). Collection method: clinical testing. Allele origin: germline.
Comment: This sequence change replaces lysine, which is basic and polar, with threonine, which is neutral and polar, at codon 1538 of the KIF1B protein (p.Lys1538Thr). This variant is not present in population databases (gnomAD no frequency). This variant has not been reported in the literature in individuals affected with KIF1B-related conditions. An algorithm developed to predict the effect of missense changes on protein structure and function (PolyPhen-2) suggests that this variant is likely to be tolerated. Algorithms developed to predict the effect of sequence changes on RNA splicing suggest that this variant may disrupt the consensus splice site. In summary, the available evidence is currently insufficient to determine the role of this variant in disease. Therefore, it has been classified as a Variant of Uncertain Significance.

NM_001365951.3(KIF1B):c.4751A>C (p.Lys1584Thr)

Gene: KIF1B (kinesin family member 1B; plus strand). Cytogenetic location: 1p36.22.
Variant type: single nucleotide variant.
Coding change: c.4751A>C on transcript NM_001365951.3 (MANE Select); coding-DNA position 4751, A replaced by C.
Protein change: p.Lys1584Thr; replaces lysine 1584 with threonine.
Molecular consequence: missense variant.
Genome position (GRCh38, 1-based): chr1:10,365,647, A>C. VCF-style: chr1-10365647-A-C. GRCh37 (hg19) VCF-style: chr1-10425705-A-C.
Other names: c.4751A>C, p.Lys1584Thr (NM_001365952.1); c.4613A>C, p.Lys1538Thr (NM_015074.3); short protein forms K1584T, K1538T.
Identifiers: ClinVar variation 2716097 (VCV002716097.4), dbSNP rs2521916375, ClinGen allele CA338322542.